The following is an entry in ClinVar:

NM_182760.4(SUMF1):c.67C>G (p.Leu23Val)

Gene: SUMF1 (sulfatase modifying factor 1; minus strand). Cytogenetic location: 3p26.1.
Variant type: single nucleotide variant.
Coding change: c.67C>G on transcript NM_182760.4 (MANE Select); coding-DNA position 67, C replaced by G.
Protein change: p.Leu23Val; replaces leucine 23 with valine.
Molecular consequence: missense variant.
Genome position (GRCh38, 1-based): chr3:4,467,179, G>C on the plus strand (C>G on the coding strand, the complement: SUMF1 is on the minus strand). VCF-style: chr3-4467179-G-C. GRCh37 (hg19) VCF-style: chr3-4508863-G-C.
Other names: c.67C>G, p.Leu23Val (NM_001164674.2, NM_001164675.2); short protein forms L23V.
Identifiers: ClinVar variation 1404610 (VCV001404610.5), dbSNP rs2124824621, ClinGen allele CA351794631.

ClinVar aggregate classification (germline): Uncertain significance (1 of 4 stars; one submission).

Conditions:
Multiple sulfatase deficiency (MSD). Also called: Mucosulfatidosis; Multiple Sulfatase Deficiency Disease; Sulfatidosis, Juvenile, Austin Type. Identifiers: Orphanet 585, MedGen C0268263, MONDO:0010088, OMIM 272200.

Submission:

Labcorp Genetics (formerly Invitae), Labcorp
Classification: Uncertain significance for Multiple sulfatase deficiency. Last evaluated: 2024-06-24. Review status: criteria provided, single submitter. Criteria: Invitae Variant Classification Sherloc (09022015). Collection method: clinical testing. Allele origin: germline.
Comment: This sequence change replaces leucine, which is neutral and non-polar, with valine, which is neutral and non-polar, at codon 23 of the SUMF1 protein (p.Leu23Val). This variant is not present in population databases (gnomAD no frequency). This variant has not been reported in the literature in individuals affected with SUMF1-related conditions. ClinVar contains an entry for this variant (Variation ID: 1404610). Advanced modeling of protein sequence and biophysical properties (such as structural, functional, and spatial information, amino acid conservation, physicochemical variation, residue mobility, and thermodynamic stability) has been performed at Invitae for this missense variant, however the output from this modeling did not meet the statistical confidence thresholds required to predict the impact of this variant on SUMF1 protein function. In summary, the available evidence is currently insufficient to determine the role of this variant in disease. Therefore, it has been classified as a Variant of Uncertain Significance.